The following is an entry in ClinVar:

NM_001114748.2(TMEM240):c.132C>G (p.Gly44=)

Gene: TMEM240 (transmembrane protein 240; minus strand). Cytogenetic location: 1p36.33.
Variant type: single nucleotide variant.
Coding change: c.132C>G on transcript NM_001114748.2 (MANE Select); coding-DNA position 132, C replaced by G.
Protein change: p.Gly44=; no amino-acid change (glycine 44 retained).
Molecular consequence: synonymous variant.
Genome position (GRCh38, 1-based): chr1:1,539,716, G>C on the plus strand (C>G on the coding strand, the complement: TMEM240 is on the minus strand). VCF-style: chr1-1539716-G-C. GRCh37 (hg19) VCF-style: chr1-1475096-G-C.
Identifiers: ClinVar variation 775124 (VCV000775124.35), dbSNP rs552107946, ClinGen allele CA526714.

ClinVar aggregate classification (germline): Likely benign. Review status: criteria provided, multiple submitters, no conflicts (2 of 4 stars). 4 submissions from 4 submitters: Likely benign (4). Last evaluated 2025-12-01.

Allele frequency attached by ClinVar (database versions not stated): 1000 Genomes Project 0.00020; gnomAD 0.00043; 1000 Genomes Project 30x 0.00047; gnomAD exomes 0.00053 and 0.00065; ExAC 0.00061; TOPMed 0.00070.

Submissions (4):

CeGaT Center for Human Genetics Tuebingen
Classification: Likely benign. Last evaluated: 2025-12-01. Review status: criteria provided, single submitter. Criteria: CeGaT Center For Human Genetics Tuebingen Variant Classification Criteria Version 2. Collection method: clinical testing. Allele origin: germline. Affected: yes. Observed: 5 variant alleles.
Comment: TMEM240: BP4, BP7

Labcorp Genetics (formerly Invitae), Labcorp
Classification: Likely benign. Last evaluated: 2025-11-17. Review status: criteria provided, single submitter. Criteria: Invitae Variant Classification Sherloc (09022015). Collection method: clinical testing. Allele origin: germline.

Blueprint Genetics
Classification: Likely benign. Last evaluated: 2024-11-06. Review status: criteria provided, single submitter. Criteria: ACMG Guidelines, 2015. Collection method: clinical testing. Allele origin: germline.

Breakthrough Genomics
Classification: Likely benign. Review status: criteria provided, single submitter. Criteria: ACMG Guidelines, 2015. Collection method: not provided. Allele origin: germline. Inheritance: Autosomal dominant inheritance. Affected: yes.